The following is an entry in ClinVar:

NM_017617.5(NOTCH1):c.6409C>T (p.Pro2137Ser)

Gene: NOTCH1 (notch receptor 1; minus strand). Cytogenetic location: 9q34.3.
Variant type: single nucleotide variant.
Coding change: c.6409C>T on transcript NM_017617.5 (MANE Select); coding-DNA position 6409, C replaced by T.
Protein change: p.Pro2137Ser; replaces proline 2137 with serine.
Molecular consequence: missense variant.
Genome position (GRCh38, 1-based): chr9:136,497,330, G>A on the plus strand (C>T on the coding strand, the complement: NOTCH1 is on the minus strand). VCF-style: chr9-136497330-G-A. GRCh37 (hg19) VCF-style: chr9-139391782-G-A.
Other names: p.Pro2137Ser; c.6409C>T, p.Pro2137Ser (LRG_1122t1); c.6409C>T (NM_017617.4); short protein forms P2137S.
Identifiers: ClinVar variation 134946 (VCV000134946.20), dbSNP rs372698234, ClinGen allele CA161219.

ClinVar aggregate classification (germline): Likely benign. Review status: criteria provided, multiple submitters, no conflicts (2 of 4 stars). 6 submissions from 6 submitters: Likely benign (4). 2 of the submissions do not count toward it. Last evaluated 2025-12-04.

Conditions:
NOTCH1-related disorder. Also called: NOTCH1-related condition; NOTCH1-related disorders.
Adams-Oliver syndrome 5 (AOS5). Identifiers: Orphanet 974, MedGen C4014970, MONDO:0014459, OMIM 616028.
Familial thoracic aortic aneurysm and aortic dissection (TAAD). Also called: Thoracic aortic aneurysms and dissections. Identifiers: Orphanet 91387, MedGen C4707243, MONDO:0019625.

Allele frequency attached by ClinVar (database versions not stated): ESP Exome Variant Server 0.00040; 1000 Genomes Project 30x 0.00047; TOPMed 0.00047; gnomAD 0.00044 and 0.00046; gnomAD exomes 0.00011; ExAC 0.00013; 1000 Genomes Project 0.00040.
gnomAD v4.1: 126 of 1,606,268 alleles (0.0078%); highest among the groups gnomAD compares: African/African-American, 0.15%; no homozygotes.

Submissions (6):

Mayo Clinic Laboratories, Mayo Clinic
Classification: Likely benign. Last evaluated: 2025-12-04. Review status: criteria provided, single submitter. Criteria: ACMG Guidelines, 2015. Collection method: clinical testing. Allele origin: germline. Observed: 1 variant allele.
Comment: BS1

Labcorp Genetics (formerly Invitae), Labcorp
Classification: Likely benign for Adams-Oliver syndrome 5. Last evaluated: 2025-11-10. Review status: criteria provided, single submitter. Criteria: Invitae Variant Classification Sherloc (09022015). Collection method: clinical testing. Allele origin: germline.

Ambry Genetics
Classification: Likely benign for Familial thoracic aortic aneurysm and aortic dissection. Last evaluated: 2024-06-07. Review status: criteria provided, single submitter. Criteria: Ambry Variant Classification Scheme 2023. Collection method: clinical testing. Allele origin: germline.

GeneDx
Classification: Likely benign. Last evaluated: 2021-03-17. Review status: criteria provided, single submitter. Criteria: GeneDx Variant Classification Process June 2021. Collection method: clinical testing. Allele origin: germline. Affected: yes.

PreventionGenetics, part of Exact Sciences
Classification: Likely benign for NOTCH1-related condition. Last evaluated: 2022-06-22. Review status: no assertion criteria provided. Collection method: clinical testing. Allele origin: germline. Not counted in ClinVar's aggregate classification.
Comment: This variant is classified as likely benign based on ACMG/AMP sequence variant interpretation guidelines (Richards et al. 2015 PMID: 25741868, with internal and published modifications).

ITMI
No classification provided. Condition: AllHighlyPenetrant. Last evaluated: 2013-09-19. Review status: no classification provided. Collection method: reference population. Allele origin: germline. Not counted in ClinVar's aggregate classification.
Comment: Please see associated publication for description of ethnicities

Literature cited by the submitters: PubMed 24728327 (cited by Ambry Genetics and ITMI).